The following is an entry in ClinVar:

ClinVar aggregate classification (germline): Likely benign. Review status: criteria provided, single submitter (1 of 4 stars). 2 submissions from 2 submitters: Likely benign (1). 1 of the submissions does not count toward it. Last evaluated 2023-03-08.

Conditions:
MYH7-related disorder. Also called: MYH7-related condition; MYH7-related disease; MYH7-related disorders.
Hypertrophic cardiomyopathy. Also called: HYPERTROPHIC MYOCARDIOPATHY. Identifiers: Orphanet 217569, MedGen C0007194, MeSH D002312, MONDO:0005045, HP:0001639.

Allele frequency attached by ClinVar (database versions not stated): TOPMed below 0.00001; ExAC 0.00001; gnomAD 0.00001.
gnomAD v4.1: 3 of 1,614,038 alleles (0.00019%); highest among the groups gnomAD compares: East Asian, 0.0022%; no homozygotes.

Submissions (2):

Labcorp Genetics (formerly Invitae), Labcorp
Classification: Likely benign for Hypertrophic cardiomyopathy. Last evaluated: 2023-03-08. Review status: criteria provided, single submitter. Criteria: Invitae Variant Classification Sherloc (09022015). Collection method: clinical testing. Allele origin: germline.

PreventionGenetics, part of Exact Sciences
Classification: Likely benign for MYH7-related condition. Last evaluated: 2020-11-06. Review status: no assertion criteria provided. Collection method: clinical testing. Allele origin: germline. Not counted in ClinVar's aggregate classification.
Comment: This variant is classified as likely benign based on ACMG/AMP sequence variant interpretation guidelines (Richards et al. 2015 PMID: 25741868, with internal and published modifications).

NM_000257.4(MYH7):c.4770C>T (p.His1590=)

Genes: MHRT (myosin heavy chain associated RNA transcript; plus strand), MYH7 (myosin heavy chain 7; minus strand), LOC126861897 (BRD4-independent group 4 enhancer GRCh37_chr14:23884455-23885654; plus strand). Cytogenetic location: 14q11.2.
Variant type: single nucleotide variant.
Coding change: c.4770C>T on transcript NM_000257.4 (MANE Select); coding-DNA position 4770, C replaced by T.
Protein change: p.His1590=; no amino-acid change (histidine 1590 retained).
Molecular consequence: synonymous variant. On other transcripts: non-coding transcript variant (1).
Genome position (GRCh38, 1-based): chr14:23,416,187, G>A on the plus strand (C>T on the coding strand, the complement: MYH7 is on the minus strand). VCF-style: chr14-23416187-G-A. GRCh37 (hg19) VCF-style: chr14-23885396-G-A.
Other names: c.4770C>T, p.His1590= (NM_001407004.1); c.4770C>T (NM_000257.3).
Identifiers: ClinVar variation 2719647 (VCV002719647.5), dbSNP rs761723774, ClinGen allele CA043793.